The following is an entry in ClinVar:

ClinVar aggregate classification (germline): Likely pathogenic. Review status: reviewed by expert panel (3 of 4 stars). 5 submissions from 5 submitters: Likely pathogenic (1). 4 of the submissions do not count toward it. Last evaluated 2022-09-12.

Conditions:
Asymmetric septal hypertrophy. Identifiers: MedGen C0205700, HP:0001670.
Primary dilated cardiomyopathy (DCM). Also called: Dilated Cardiomyopathy. Identifiers: Orphanet 217604, MedGen C0007193, MeSH D002311, MONDO:0005021, HP:0001644. Inheritance: Various modes of inheritance.
MT-TI-related disorder.
Mitochondrial disease. Also called: Mitochondrial disorder; Mitochondrial disorders. Identifiers: Orphanet 68380, MedGen C0751651, MeSH D028361, MONDO:0044970.
Primary familial hypertrophic cardiomyopathy (HCM). Identifiers: Orphanet 99739, MedGen C0949658, MeSH D024741, MONDO:0024573. Inheritance: Various modes of inheritance.
MERRF syndrome (MERRF). Also called: MYOCLONIC EPILEPSY ASSOCIATED WITH RAGGED-RED FIBERS; Myoclonus with epilepsy with ragged red fibers; Myoencephalopathy ragged-red fiber disease. Identifiers: Orphanet 551, MedGen C0162672, MONDO:0010790, OMIM 545000.

Submissions (5):

ClinGen Mitochondrial Disease Nuclear and Mitochondrial  Variant Curation Expert Panel, ClinGen
Classification: Likely pathogenic for Mitochondrial disease. Last evaluated: 2022-09-12. Review status: reviewed by expert panel. Criteria: clingen mito disease acmg specifications v1-1. Collection method: curation. Allele origin: germline. Inheritance: Mitochondrial inheritance.
Comment: The m.4300A>G variant in MT-TI has been reported in at least 17 individuals from eight families with hypertrophic cardiomyopathy. Affected individuals had variable ages of onset (11 months old to 40s). All cases developed hypertrophic cardiomyopathy. Muscle biopsy revealed COX negative fibers in cardiac tissue and one case had ragged red fibers in skeletal muscle. Heteroplasmy levels were predominantly the same in all affected probands as the variant was present at homoplasmy or > 97% in all tissues. Other affected family members did harbor the variant at 60-100%. Of note, some healthy family members had the variant ranging from 40-100% (PS4_moderate; PMIDs: 10065021, 7646516, 12767666, 12711217, 23847141). This variant segregated with disease in a family with LVH with diffuse hypertrophy as the proband's heteroplasmy was 98% in heart, 85% in muscle, and 95% in blood. His 12 unaffected relatives available for testing heteroplasmy ranged 50-78% in blood (PP1_moderate, PMID: 1006502). There are no reported de novo occurrences of this variant to our knowledge. There are three occurrences of this variant in Helix dataset (frequency of 0.001%) that includes two homoplasmic and one heteroplasmic individuals. This variant is absent in gnomAD v3.1.2 and in GenBank dataset therefore the frequency is still low enough to meet criteria for PM2_supporting. There are no cybrids, single fiber studies, or other functional assays reported on this variant. The computational predictor MitoTIP suggests this variant is pathogenic (79.3 percentile) and HmtVAR predicts it to be pathogenic score of 0.75 (PP3). In summary, this variant meets criteria to be classified as likely pathogenic for primary mitochondrial disease inherited in a mitochondrial manner. This classification was approved by the NICHD/NINDS U24 ClinGen Mitochondrial Disease Variant Curation Expert Panel on September 12, 2022. Mitochondrial DNA-specific ACMG/AMP criteria applied: PS4_moderate, PM2_supporting, PP3, PP1_moderate.

3billion
Classification: Likely pathogenic for MT-TI-related disorder. Last evaluated: 2026-01-05. Review status: criteria provided, single submitter. Criteria: ACMG Guidelines, 2015. Collection method: clinical testing. Allele origin: germline. Affected: yes. Not counted in ClinVar's aggregate classification.
Comment: The variant is not observed in the gnomAD v4.1.0 dataset. Predicted Consequence/Location: Mitochondrial variant In silico tool predictions suggest damaging effect of the variant on gene or gene product [MitoTIP: 16.74 (>= 12.65)]. The variant has been reported at least twice as pathogenic with clinical assertions and evidence for the classification (3billion dataset/ClinVar ID: VCV000009606). Therefore, this variant is classified as Likely pathogenic according to the recommendation of ACMG/AMP guideline.

Mendelics
Classification: Pathogenic for MERRF syndrome. Last evaluated: 2022-05-04. Review status: criteria provided, single submitter. Criteria: Mendelics Assertion Criteria 2019. Collection method: clinical testing. Allele origin: germline. Not counted in ClinVar's aggregate classification.

NIHR Bioresource Rare Diseases, University of Cambridge
Classification: Likely pathogenic for Asymmetric septal hypertrophy; Primary dilated cardiomyopathy. Last evaluated: 2018-01-01. Review status: no assertion criteria provided. Collection method: research. Allele origin: unknown. Affected: yes. Not counted in ClinVar's aggregate classification.

OMIM
Classification: Pathogenic for CARDIOMYOPATHY, FAMILIAL HYPERTROPHIC. Last evaluated: 2003-05-21. Review status: no assertion criteria provided. Collection method: literature only. Allele origin: germline. Not counted in ClinVar's aggregate classification.

Literature cited by the submitters: PubMed 12767666 (cited by OMIM).

NC_012920.1(MT-TI):m.4300A>G

Gene: MT-TI (mitochondrially encoded tRNA isoleucine; plus strand).
Variant type: single nucleotide variant.
Genome position: chrM-4300-A-G.
Other names: 4300A-G.
Identifiers: ClinVar variation 9606 (VCV000009606.7), dbSNP rs121434470, ClinGen allele CA254842.